The following is an entry in ClinVar:

NM_001232.4(CASQ2):c.409T>C (p.Phe137Leu)

Gene: CASQ2 (calsequestrin 2; minus strand). Cytogenetic location: 1p13.1.
Variant type: single nucleotide variant.
Coding change: c.409T>C on transcript NM_001232.4 (MANE Select); coding-DNA position 409, T replaced by C.
Protein change: p.Phe137Leu; replaces phenylalanine 137 with leucine.
Molecular consequence: missense variant.
Genome position (GRCh38, 1-based): chr1:115,740,739, A>G on the plus strand (T>C on the coding strand, the complement: CASQ2 is on the minus strand). VCF-style: chr1-115740739-A-G. GRCh37 (hg19) VCF-style: chr1-116283360-A-G.
Other names: short protein forms F137L.
Identifiers: ClinVar variation 950162 (VCV000950162.9), dbSNP rs762328417, ClinGen allele CA1023928.
Genomic context (GRCh38, chr1:115,740,739, plus strand): 5'-ATTTGAGGAGAGGCAGCTCCATGCAGGGTCACTGTGTATAAATACTTACATCCAAGAGGA[A>G]CTCCACCAAGACATCAGCTGCAAACTCGCCATCAAACTCTATTGTGCGATCACCCTTAAG-3'
Protein context (NP_001223.2, residues 127-147): GEFAADVLVE[Phe137Leu]LLDLIEDPVE

ClinVar aggregate classification (germline): Uncertain significance. Review status: criteria provided, multiple submitters, no conflicts (2 of 4 stars). 4 submissions from 4 submitters: Uncertain significance (4). Last evaluated 2023-04-11.

Conditions:
Catecholaminergic polymorphic ventricular tachycardia 2. Also called: VENTRICULAR TACHYCARDIA, STRESS-INDUCED POLYMORPHIC 2; CASQ2-Related Catecholaminergic Polymorphic Ventricular Tachycardia. Identifiers: Orphanet 3286, MedGen C2677794, MONDO:0012762, OMIM 611938.
Catecholaminergic polymorphic ventricular tachycardia 1. Also called: VENTRICULAR TACHYCARDIA, STRESS-INDUCED POLYMORPHIC 1; RYR2-Related Catecholaminergic Polymorphic Ventricular Tachycardia; VENTRICULAR TACHYCARDIA, CATECHOLAMINERGIC POLYMORPHIC, 1, WITH OR WITHOUT ATRIAL DYSFUNCTION AND/OR DILATED CARDIOMYOPATHY. Identifiers: Orphanet 3286, MedGen C1631597, MONDO:0011484, OMIM 604772.
Cardiovascular phenotype. Identifiers: MedGen CN230736.

Allele frequency attached by ClinVar (database versions not stated): gnomAD 0.00001; ExAC 0.00002; gnomAD exomes 0.00002; TOPMed 0.00002.
gnomAD v4.1: 5 of 1,607,362 alleles (0.00031%); highest among the groups gnomAD compares: Admixed American, 0.005%; no homozygotes.

Submissions (4):

Genome-Nilou Lab
Classification: Uncertain significance for Catecholaminergic polymorphic ventricular tachycardia 2. Last evaluated: 2023-04-11. Review status: criteria provided, single submitter. Criteria: ACMG Guidelines, 2015. Collection method: clinical testing. Allele origin: germline. Affected: no.

Ambry Genetics
Classification: Uncertain significance for Cardiovascular phenotype. Last evaluated: 2023-03-24. Review status: criteria provided, single submitter. Criteria: Ambry Variant Classification Scheme 2023. Collection method: clinical testing. Allele origin: germline.
Comment: The p.F137L variant (also known as c.409T>C), located in coding exon 3 of the CASQ2 gene, results from a T to C substitution at nucleotide position 409. The phenylalanine at codon 137 is replaced by leucine, an amino acid with highly similar properties. This amino acid position is highly conserved in available vertebrate species. In addition, the in silico prediction for this alteration is inconclusive. Since supporting evidence is limited at this time, the clinical significance of this alteration remains unclear.

Labcorp Genetics (formerly Invitae), Labcorp
Classification: Uncertain significance for Catecholaminergic polymorphic ventricular tachycardia 1. Last evaluated: 2022-08-22. Review status: criteria provided, single submitter. Criteria: Invitae Variant Classification Sherloc (09022015). Collection method: clinical testing. Allele origin: germline.
Comment: This sequence change replaces phenylalanine, which is neutral and non-polar, with leucine, which is neutral and non-polar, at codon 137 of the CASQ2 protein (p.Phe137Leu). This variant is present in population databases (rs762328417, gnomAD 0.009%). This variant has not been reported in the literature in individuals affected with CASQ2-related conditions. ClinVar contains an entry for this variant (Variation ID: 950162). Algorithms developed to predict the effect of missense changes on protein structure and function are either unavailable or do not agree on the potential impact of this missense change (SIFT: "Deleterious"; PolyPhen-2: "Probably Damaging"; Align-GVGD: "Class C0"). In summary, the available evidence is currently insufficient to determine the role of this variant in disease. Therefore, it has been classified as a Variant of Uncertain Significance.

Fulgent Genetics
Classification: Uncertain significance for Catecholaminergic polymorphic ventricular tachycardia 1; Catecholaminergic polymorphic ventricular tachycardia 2. Last evaluated: 2021-08-24. Review status: criteria provided, single submitter. Criteria: ACMG Guidelines, 2015. Collection method: clinical testing. Allele origin: unknown.